The following is an entry in ClinVar:

NM_033004.4(NLRP1):c.1339A>G (p.Thr447Ala)

Gene: NLRP1 (NLR family pyrin domain containing 1; minus strand). Cytogenetic location: 17p13.2.
Variant type: single nucleotide variant.
Coding change: c.1339A>G on transcript NM_033004.4 (MANE Select); coding-DNA position 1339, A replaced by G.
Protein change: p.Thr447Ala; replaces threonine 447 with alanine.
Molecular consequence: missense variant.
Genome position (GRCh38, 1-based): chr17:5,559,357, T>C on the plus strand (A>G on the coding strand, the complement: NLRP1 is on the minus strand). VCF-style: chr17-5559357-T-C. GRCh37 (hg19) VCF-style: chr17-5462677-T-C.
Other names: c.1339A>G, p.Thr447Ala (NM_001033053.3, NM_014922.5, NM_033006.4 and 1 more transcripts); short protein forms T447A.
Identifiers: ClinVar variation 4690813 (VCV004690813.1).
Genomic context (GRCh38, chr17:5,559,357, plus strand): 5'-TGAGGTTCTGCAGAGCTGTGGTCCGAGCCGTGATCAGGAAGGATGCCTCGGGAAGTATAG[T>C]TTTCCCCAGCAAACTGCCCAGCAGTGCATCCGCCGGCTGTGGCTGGCTCCAGTGCAGACA-3'
Protein context (NP_127497.1, residues 437-457): DALLGSLLGK[Thr447Ala]ILPEASFLIT

ClinVar aggregate classification (germline): Uncertain significance (1 of 4 stars; one submission).

gnomAD v4.1: 3 of 1,613,862 alleles (0.00019%); highest among the groups gnomAD compares: Non-Finnish European, 0.00025%; no homozygotes.

Submission:

Labcorp Genetics (formerly Invitae), Labcorp
Classification: Uncertain significance. Last evaluated: 2025-08-12. Review status: criteria provided, single submitter. Criteria: Invitae Variant Classification Sherloc (09022015). Collection method: clinical testing. Allele origin: germline.
Comment: This sequence change replaces threonine, which is neutral and polar, with alanine, which is neutral and non-polar, at codon 447 of the NLRP1 protein (p.Thr447Ala). This variant is not present in population databases (gnomAD no frequency). This variant has not been reported in the literature in individuals affected with NLRP1-related conditions. An algorithm developed to predict the effect of missense changes on protein structure and function outputs the following: PolyPhen-2: "Benign". The alanine amino acid residue is found in multiple mammalian species, which suggests that this missense change does not adversely affect protein function. In summary, the available evidence is currently insufficient to determine the role of this variant in disease. Therefore, it has been classified as a Variant of Uncertain Significance.